The following is an entry in ClinVar:

NM_198506.5(LRIT3):c.1675G>A (p.Val559Met)

Gene: LRIT3 (leucine rich repeat, Ig-like and transmembrane domains 3; plus strand). Cytogenetic location: 4q25.
Variant type: single nucleotide variant.
Coding change: c.1675G>A on transcript NM_198506.5 (MANE Select); coding-DNA position 1675, G replaced by A.
Protein change: p.Val559Met; replaces valine 559 with methionine.
Molecular consequence: missense variant.
Genome position (GRCh38, 1-based): chr4:109,870,424, G>A. VCF-style: chr4-109870424-G-A. GRCh37 (hg19) VCF-style: chr4-110791580-G-A.
Other names: short protein forms V559M.
Identifiers: ClinVar variation 948650 (VCV000948650.6), dbSNP rs1419219218, ClinGen allele CA357872490.

ClinVar aggregate classification (germline): Uncertain significance (1 of 4 stars; one submission).

Allele frequency attached by ClinVar (database versions not stated): gnomAD exomes below 0.00001 and 0.00001; TOPMed below 0.00001.

Submission:

Labcorp Genetics (formerly Invitae), Labcorp
Classification: Uncertain significance. Last evaluated: 2025-03-17. Review status: criteria provided, single submitter. Criteria: Invitae Variant Classification Sherloc (09022015). Collection method: clinical testing. Allele origin: germline.
Comment: This sequence change replaces valine, which is neutral and non-polar, with methionine, which is neutral and non-polar, at codon 559 of the LRIT3 protein (p.Val559Met). This variant is present in population databases (no rsID available, gnomAD 0.006%). This variant has not been reported in the literature in individuals affected with LRIT3-related conditions. ClinVar contains an entry for this variant (Variation ID: 948650). An algorithm developed to predict the effect of missense changes on protein structure and function outputs the following: PolyPhen-2: "Benign". The methionine amino acid residue is found in multiple mammalian species, which suggests that this missense change does not adversely affect protein function. In summary, the available evidence is currently insufficient to determine the role of this variant in disease. Therefore, it has been classified as a Variant of Uncertain Significance.